The following is an entry in ClinVar:

ClinVar aggregate classification (germline): Uncertain significance. Review status: criteria provided, multiple submitters, no conflicts (2 of 4 stars). 2 submissions from 2 submitters: Uncertain significance (2). Last evaluated 2024-04-24.

Conditions:
Alstrom syndrome (ALMS). Identifiers: Orphanet 64, MedGen C0268425, MONDO:0008763, OMIM 203800.
Cardiovascular phenotype. Identifiers: MedGen CN230736.

Allele frequency attached by ClinVar (database versions not stated): gnomAD exomes below 0.00001; ExAC 0.00001; TOPMed 0.00001.
gnomAD v4.1: 2 of 1,614,108 alleles (0.00012%); highest among the groups gnomAD compares: South Asian, 0.0022%; no homozygotes.

Submissions (2):

Ambry Genetics
Classification: Uncertain significance for Cardiovascular phenotype. Last evaluated: 2024-04-24. Review status: criteria provided, single submitter. Criteria: Ambry Variant Classification Scheme 2023. Collection method: clinical testing. Allele origin: germline.
Comment: The p.L3920W variant (also known as c.11759T>G), located in coding exon 18 of the ALMS1 gene, results from a T to G substitution at nucleotide position 11759. The leucine at codon 3920 is replaced by tryptophan, an amino acid with similar properties. This amino acid position is not well conserved in available vertebrate species. In addition, this alteration is predicted to be tolerated by in silico analysis. Based on the available evidence, the clinical significance of this variant remains unclear.

Labcorp Genetics (formerly Invitae), Labcorp
Classification: Uncertain significance for Alstrom syndrome. Last evaluated: 2021-06-30. Review status: criteria provided, single submitter. Criteria: Invitae Variant Classification Sherloc (09022015). Collection method: clinical testing. Allele origin: germline.
Comment: This sequence change replaces leucine with tryptophan at codon 3920 of the ALMS1 protein (p.Leu3920Trp). The leucine residue is moderately conserved and there is a small physicochemical difference between leucine and tryptophan. This variant is present in population databases (rs755984532, ExAC 0.006%). This variant has not been reported in the literature in individuals affected with ALMS1-related conditions. Experimental studies and prediction algorithms are not available or were not evaluated, and the functional significance of this variant is currently unknown. In summary, the available evidence is currently insufficient to determine the role of this variant in disease. Therefore, it has been classified as a Variant of Uncertain Significance.

NM_001378454.1(ALMS1):c.11756T>G (p.Leu3919Trp)

Gene: ALMS1 (ALMS1 centrosome and basal body associated protein; plus strand). Cytogenetic location: 2p13.1.
Variant type: single nucleotide variant.
Coding change: c.11756T>G on transcript NM_001378454.1 (MANE Select); coding-DNA position 11756, T replaced by G.
Protein change: p.Leu3919Trp; replaces leucine 3919 with tryptophan.
Molecular consequence: missense variant.
Genome position (GRCh38, 1-based): chr2:73,600,765, T>G. VCF-style: chr2-73600765-T-G. GRCh37 (hg19) VCF-style: chr2-73827892-T-G.
Other names: c.11759T>G, p.Leu3920Trp (NM_015120.4); short protein forms L3919W, L3920W.
Identifiers: ClinVar variation 1937388 (VCV001937388.3), dbSNP rs755984532, ClinGen allele CA1715314.